The following is an entry in ClinVar:

NC_012920.1(MT-TN):m.5663C>T

Gene: MT-TN (mitochondrially encoded tRNA asparagine; minus strand).
Variant type: single nucleotide variant.
Genome position: chrM-5663-C-T.
Identifiers: ClinVar variation 689969 (VCV000689969.1), dbSNP rs1553139251, ClinGen allele CA913180163.

ClinVar aggregate classification (germline): Benign (1 of 4 stars; one submission).

Conditions:
MELAS syndrome (MELAS). Also called: Juvenile myopathy, encephalopathy, lactic acidosis, stroke. Identifiers: Orphanet 550, MedGen C0162671, MONDO:0010789, OMIM 540000.

Submission:

Wong Mito Lab, Molecular and Human Genetics, Baylor College of Medicine
Classification: Benign for MELAS syndrome. Last evaluated: 2019-07-12. Review status: criteria provided, single submitter. Criteria: Modified ACMG Guidelines (Unpublished). Collection method: clinical testing. Allele origin: germline.
Comment: The NC_012920.1:m.5663C>T variant in MT-TN gene is interpreted to be a Benign variant based on the modified ACMG guidelines (unpublished). This variant meets the following evidence codes reported in the guidelines: BS1, BS2, BP4

Literature cited by the submitters: PubMed 31965079.